The following is an entry in ClinVar:

ClinVar aggregate classification (germline): Uncertain significance (1 of 4 stars; one submission).

Conditions:
Congenital myasthenic syndrome 8. Also called: Myasthenic syndrome, congenital, 8, with pre- and postsynaptic defects; MYASTHENIC SYNDROME, CONGENITAL, DUE TO AGRIN DEFICIENCY. Identifiers: Orphanet 590, MedGen C3808739, MONDO:0014052, OMIM 615120.

Allele frequency attached by ClinVar (database versions not stated): gnomAD 0.00001; gnomAD exomes 0.00001 and 0.00002; TOPMed 0.00002; ExAC 0.00003.
gnomAD v4.1: 28 of 1,602,638 alleles (0.0017%); highest among the groups gnomAD compares: African/African-American, 0.0067%; no homozygotes.

Submission:

Labcorp Genetics (formerly Invitae), Labcorp
Classification: Uncertain significance for Congenital myasthenic syndrome 8. Last evaluated: 2022-11-01. Review status: criteria provided, single submitter. Criteria: Invitae Variant Classification Sherloc (09022015). Collection method: clinical testing. Allele origin: germline.
Comment: In summary, the available evidence is currently insufficient to determine the role of this variant in disease. Therefore, it has been classified as a Variant of Uncertain Significance. Algorithms developed to predict the effect of missense changes on protein structure and function are either unavailable or do not agree on the potential impact of this missense change (SIFT: "Deleterious"; PolyPhen-2: "Probably Damaging"; Align-GVGD: "Class C0"). ClinVar contains an entry for this variant (Variation ID: 937057). This variant has not been reported in the literature in individuals affected with AGRN-related conditions. This variant is present in population databases (rs746117937, gnomAD 0.01%). This sequence change replaces arginine, which is basic and polar, with cysteine, which is neutral and slightly polar, at codon 1951 of the AGRN protein (p.Arg1951Cys).

NM_198576.4(AGRN):c.5851C>T (p.Arg1951Cys)

Gene: AGRN (agrin; plus strand). Cytogenetic location: 1p36.33.
Variant type: single nucleotide variant.
Coding change: c.5851C>T on transcript NM_198576.4 (MANE Select); coding-DNA position 5851, C replaced by T.
Protein change: p.Arg1951Cys; replaces arginine 1951 with cysteine.
Molecular consequence: missense variant.
Genome position (GRCh38, 1-based): chr1:1,053,952, C>T. VCF-style: chr1-1053952-C-T. GRCh37 (hg19) VCF-style: chr1-989332-C-T.
Other names: c.5920C>T, p.Arg1974Cys (NM_001305275.2); c.5548C>T, p.Arg1850Cys (NM_001364727.2); short protein forms R1951C, R1974C, R1850C.
Identifiers: ClinVar variation 937057 (VCV000937057.9), dbSNP rs746117937, ClinGen allele CA510246.